The following is an entry in ClinVar:

ClinVar aggregate classification (germline): Uncertain significance (1 of 4 stars; one submission).

Allele frequency attached by ClinVar (database versions not stated): gnomAD exomes 0.00001; TOPMed 0.00003; gnomAD 0.00004; ExAC 0.00010; 1000 Genomes Project 30x 0.00016; 1000 Genomes Project 0.00020.

Submission:

Labcorp Genetics (formerly Invitae), Labcorp
Classification: Uncertain significance. Last evaluated: 2023-10-03. Review status: criteria provided, single submitter. Criteria: Invitae Variant Classification Sherloc (09022015). Collection method: clinical testing. Allele origin: germline.
Comment: This sequence change replaces arginine, which is basic and polar, with glutamine, which is neutral and polar, at codon 151 of the DVL1 protein (p.Arg151Gln). The frequency data for this variant in the population databases is considered unreliable, as metrics indicate poor data quality at this position in the gnomAD database. This variant has not been reported in the literature in individuals affected with DVL1-related conditions. Advanced modeling of protein sequence and biophysical properties (such as structural, functional, and spatial information, amino acid conservation, physicochemical variation, residue mobility, and thermodynamic stability) performed at Invitae indicates that this missense variant is not expected to disrupt DVL1 protein function. In summary, the available evidence is currently insufficient to determine the role of this variant in disease. Therefore, it has been classified as a Variant of Uncertain Significance.

NM_001330311.2(DVL1):c.452G>A (p.Arg151Gln)

Gene: DVL1 (dishevelled segment polarity protein 1; minus strand). Cytogenetic location: 1p36.33.
Variant type: single nucleotide variant.
Coding change: c.452G>A on transcript NM_001330311.2 (MANE Select); coding-DNA position 452, G replaced by A.
Protein change: p.Arg151Gln; replaces arginine 151 with glutamine.
Molecular consequence: missense variant.
Genome position (GRCh38, 1-based): chr1:1,342,067, C>T on the plus strand (G>A on the coding strand, the complement: DVL1 is on the minus strand). VCF-style: chr1-1342067-C-T. GRCh37 (hg19) VCF-style: chr1-1277447-C-T.
Other names: c.452G>A, p.Arg151Gln (NM_004421.3); short protein forms R151Q.
Identifiers: ClinVar variation 3015948 (VCV003015948.3), dbSNP rs575043209, ClinGen allele CA520681.